The following is an entry in ClinVar:

NM_014000.3(VCL):c.2875A>C (p.Asn959His)

Gene: VCL (vinculin; plus strand). Cytogenetic location: 10q22.2.
Variant type: single nucleotide variant.
Coding change: c.2875A>C on transcript NM_014000.3 (MANE Select); coding-DNA position 2875, A replaced by C.
Protein change: p.Asn959His; replaces asparagine 959 with histidine.
Molecular consequence: missense variant. On other transcripts: intron variant (1).
Genome position (GRCh38, 1-based): chr10:74,112,038, A>C. VCF-style: chr10-74112038-A-C. GRCh37 (hg19) VCF-style: chr10-75871796-A-C.
Other names: c.2746-2146A>C (NM_003373.4); short protein forms N959H.
Identifiers: ClinVar variation 263962 (VCV000263962.22), dbSNP rs758969419, ClinGen allele CA5563327.

ClinVar aggregate classification (germline): Conflicting classifications of pathogenicity. Review status: criteria provided, conflicting classifications (1 of 4 stars). 7 submissions from 7 submitters: Uncertain significance (5); Likely benign (2). Last evaluated 2025-11-16.

Conditions:
VCL-related disorder. Also called: VCL-related condition.
Cardiovascular phenotype. Identifiers: MedGen CN230736.
Cardiomyopathy (CMYO). Also called: Cardiomyopathies. Identifiers: Orphanet 167848, MedGen C0878544, MONDO:0004994, HP:0001638. Inheritance: Various modes of inheritance.
Dilated cardiomyopathy 1W (CMD1W). Identifiers: Orphanet 154, MedGen C1969639, MONDO:0012667, OMIM 611407.

Allele frequency attached by ClinVar (database versions not stated): TOPMed 0.00002; gnomAD 0.00003.
gnomAD v4.1: 91 of 1,614,052 alleles (0.0056%); highest among the groups gnomAD compares: Non-Finnish European, 0.0075%; no homozygotes.

Submissions (7):

Labcorp Genetics (formerly Invitae), Labcorp
Classification: Uncertain significance for Dilated cardiomyopathy 1W. Last evaluated: 2025-11-16. Review status: criteria provided, single submitter. Criteria: Invitae Variant Classification Sherloc (09022015). Collection method: clinical testing. Allele origin: germline.
Comment: This sequence change replaces asparagine, which is neutral and polar, with histidine, which is basic and polar, at codon 959 of the VCL protein (p.Asn959His). This variant is present in population databases (rs758969419, gnomAD 0.004%). This variant has not been reported in the literature in individuals affected with VCL-related conditions. ClinVar contains an entry for this variant (Variation ID: 263962). An algorithm developed to predict the effect of missense changes on protein structure and function (PolyPhen-2) suggests that this variant is likely to be tolerated. In summary, the available evidence is currently insufficient to determine the role of this variant in disease. Therefore, it has been classified as a Variant of Uncertain Significance.

PreventionGenetics, part of Exact Sciences
Classification: Uncertain significance for VCL-related condition. Last evaluated: 2025-09-11. Review status: criteria provided, single submitter. Criteria: ACMG Guidelines, 2015. Collection method: clinical testing. Allele origin: germline.
Comment: The VCL c.2875A>C variant is predicted to result in the amino acid substitution p.Asn959His. This variant has been reported as a variant of uncertain significance in a cohort of individuals referred for genetic testing of cardiomyopathy and/or arrhythmia; however, detailed clinical information was not available (Supplement 2, Dellefave-Castillo et al. 2022. PubMed ID: 35947370). This variant is reported in 0.0040% of alleles in individuals of African descent in gnomAD. At this time, the clinical significance of this variant is uncertain due to the absence of conclusive functional and genetic evidence.

Women's Health and Genetics/Laboratory Corporation of America, LabCorp
Classification: Uncertain significance. Last evaluated: 2025-03-22. Review status: criteria provided, single submitter. Criteria: LabCorp Variant Classification Summary - May 2015. Collection method: clinical testing. Allele origin: germline.

Ambry Genetics
Classification: Likely benign for Cardiovascular phenotype. Last evaluated: 2024-04-08. Review status: criteria provided, single submitter. Criteria: Ambry Variant Classification Scheme 2023. Collection method: clinical testing. Allele origin: germline.

CHEO Genetics Diagnostic Laboratory, Children's Hospital of Eastern Ontario
Classification: Uncertain significance for Cardiomyopathy. Last evaluated: 2021-11-23. Review status: criteria provided, single submitter. Criteria: ACMG Guidelines, 2015. Collection method: clinical testing. Allele origin: germline.

Blueprint Genetics
Classification: Likely benign. Last evaluated: 2021-08-25. Review status: criteria provided, single submitter. Criteria: ACMG Guidelines, 2015. Collection method: clinical testing. Allele origin: germline.

Laboratory for Molecular Medicine, Mass General Brigham Personalized Medicine
Classification: Uncertain significance. Last evaluated: 2018-10-08. Review status: criteria provided, single submitter. Criteria: LMM Criteria. Collection method: clinical testing. Allele origin: germline. Inheritance: Autosomal dominant inheritance. Observed: 1 variant allele.
Comment: The p.Asn959His variant in VCL has been reported in one individual with dilated cardiomyopathy (Schymanski 2017). It has also been reported as a variant of unce rtain significance in ClinVar (Variation ID# 263962). This variant has been iden tified in 0.004% (1/24037) of African chromosomes by the Genome Aggregation Data base (gnomAD). Computational prediction tools and conservation analysis do not provide strong support for or against an impact to the protein. In summary, the clinical significance of the p.Asn959His varian t is uncertain. ACMG/AMP Criteria applied: PM2_Supporting.